The following is an entry in ClinVar:

NM_024422.6(DSC2):c.1378G>A (p.Val460Ile)

Gene: DSC2 (desmocollin 2; minus strand). Cytogenetic location: 18q12.1.
Variant type: single nucleotide variant.
Coding change: c.1378G>A on transcript NM_024422.6 (MANE Select); coding-DNA position 1378, G replaced by A.
Protein change: p.Val460Ile; replaces valine 460 with isoleucine.
Molecular consequence: missense variant.
Genome position (GRCh38, 1-based): chr18:31,080,238, C>T on the plus strand (G>A on the coding strand, the complement: DSC2 is on the minus strand). VCF-style: chr18-31080238-C-T. GRCh37 (hg19) VCF-style: chr18-28660204-C-T.
Other names: c.949G>A, p.Val317Ile (NM_001406506.1, NM_001406507.1); c.1378G>A, p.Val460Ile (NM_004949.5); short protein forms V317I, V460I.
Identifiers: ClinVar variation 3386527 (VCV003386527.1).

ClinVar aggregate classification (germline): Uncertain significance (1 of 4 stars; one submission).

Conditions:
Familial isolated arrhythmogenic right ventricular dysplasia. Identifiers: Orphanet 217656, MedGen C4274968, MONDO:0016342.

gnomAD v4.1: 2 of 1,614,044 alleles (0.00012%); highest among the groups gnomAD compares: Non-Finnish European, 0.00017%; no homozygotes.

Submission:

All of Us Research Program, National Institutes of Health
Classification: Uncertain significance for Familial isolated arrhythmogenic right ventricular dysplasia. Last evaluated: 2024-05-14. Review status: criteria provided, single submitter. Criteria: ACMG Guidelines, 2015. Collection method: clinical testing. Allele origin: germline. Inheritance: Autosomal dominant inheritance. Observed: 1 variant allele, 1 heterozygote.
Comment: This missense variant replaces valine with isoleucine at codon 460 of the DSC2 protein. Computational prediction suggests that this variant may not impact protein structure and function (internally defined REVEL score threshold <= 0.5, PMID: 27666373). To our knowledge, functional studies have not been reported for this variant. This variant has not been reported in individuals affected with DSC2-related disorders in the literature. This variant has not been identified in the general population by the Genome Aggregation Database (gnomAD). The available evidence is insufficient to determine the role of this variant in disease conclusively. Therefore, this variant is classified as a Variant of Uncertain Significance.

This study involves interpretation of variants in research participants for the purpose of population health screening. Participant phenotype was not available at the time of variant classification. Additional details can be found in publication PMID: 35346344, PMCID: PMC8962531